The following is an entry in ClinVar:

NM_001009944.3(PKD1):c.9302T>A (p.Leu3101Ter)

Gene: PKD1 (polycystin 1, transient receptor potential channel interacting; minus strand). Cytogenetic location: 16p13.3.
Variant type: single nucleotide variant.
Coding change: c.9302T>A on transcript NM_001009944.3 (MANE Select); coding-DNA position 9302, T replaced by A.
Protein change: p.Leu3101Ter; replaces leucine 3101 with a stop codon.
Molecular consequence: nonsense.
Genome position (GRCh38, 1-based): chr16:2,102,156, A>T on the plus strand (T>A on the coding strand, the complement: PKD1 is on the minus strand). VCF-style: chr16-2102156-A-T. GRCh37 (hg19) VCF-style: chr16-2152157-A-T.
Other names: c.9302T>A, p.Leu3101Ter (NM_000296.4); short protein forms L3101*.
Identifiers: ClinVar variation 3233729 (VCV003233729.3), dbSNP rs2544730498, ClinGen allele CA394357958.
Genomic context (GRCh38, chr16:2,102,156, plus strand): 5'-TCGTACTTGAAGCGGCCCCGCTGCCCACAGAAAGGGATGGCGCGGCCCCGGCTGGCATCC[A>T]ACTGGTCCAGCTTGTGCAGGATGGCGGCCATGACCATGTAGGTCACCAGGCACACAGCAC-3'

ClinVar aggregate classification (germline): Pathogenic. Review status: criteria provided, multiple submitters, no conflicts (2 of 4 stars). 2 submissions from 2 submitters: Pathogenic (2). Last evaluated 2024-04-12.

Conditions:
Polycystic kidney disease, adult type (PKD1). Also called: Polycystic Kidney Disease 1, Autosomal Dominant; Polycystic kidney disease 1; Polycystic kidney disease 1, severe; Polycystic Kidney, Autosomal Dominant; POLYCYSTIC KIDNEY DISEASE 1 WITH OR WITHOUT POLYCYSTIC LIVER DISEASE; POLYCYSTIC KIDNEY DISEASE, ADULT, TYPE I. Identifiers: MedGen C3149841, MONDO:0008263, OMIM 173900.

Submissions (2):

Fulgent Genetics
Classification: Pathogenic for Polycystic kidney disease, adult type. Last evaluated: 2024-04-12. Review status: criteria provided, single submitter. Criteria: ACMG Guidelines, 2015. Collection method: clinical testing. Allele origin: germline.

Women's Health and Genetics/Laboratory Corporation of America, LabCorp
Classification: Pathogenic for Polycystic kidney disease, adult type. Last evaluated: 2024-03-28. Review status: criteria provided, single submitter. Criteria: LabCorp Variant Classification Summary - May 2015. Collection method: clinical testing. Allele origin: germline.
Comment: Variant summary: PKD1 c.9302T>A (p.Leu3101X) results in a premature termination codon, predicted to cause a truncation of the encoded protein or absence of the protein due to nonsense mediated decay, which are commonly known mechanisms for disease. The variant was absent in 219966 control chromosomes (gnomAD). To our knowledge, no occurrence of c.9302T>A in individuals affected with Polycystic Kidney Disease 1 and no experimental evidence demonstrating its impact on protein function have been reported. No submitters have cited clinical-significance assessments for this variant to ClinVar. Based on the evidence outlined above, the variant was classified as pathogenic.